The following is an entry in ClinVar:

NM_001042492.3(NF1):c.1282A>T (p.Lys428Ter)

Gene: NF1 (neurofibromin 1; plus strand). Cytogenetic location: 17q11.2.
Variant type: single nucleotide variant.
Coding change: c.1282A>T on transcript NM_001042492.3 (MANE Select); coding-DNA position 1282, A replaced by T.
Protein change: p.Lys428Ter; replaces lysine 428 with a stop codon.
Molecular consequence: nonsense.
Genome position (GRCh38, 1-based): chr17:31,206,261, A>T. VCF-style: chr17-31206261-A-T. GRCh37 (hg19) VCF-style: chr17-29533279-A-T.
Other names: c.1282A>T, p.Lys428Ter (NM_000267.4, NM_001128147.3); short protein forms K428*.
Identifiers: ClinVar variation 3404703 (VCV003404703.1).
Genomic context (GRCh38, chr17:31,206,261, plus strand): 5'-TTGTACTTTTTCTTCCTATTGGTCTTTGTTTTTCTCTAGTCCGCATTGGATTGGTGGCCT[A>T]AGATTGATGCTGTGTATTGTCACTCGGTTGAACTTCGAAATATGTTTGGTGAAACACTTC-3'

ClinVar aggregate classification (germline): Pathogenic (1 of 4 stars; one submission).

Conditions:
Hereditary cancer-predisposing syndrome. Also called: Hereditary Cancer Syndrome; Tumor predisposition; Hereditary neoplastic syndrome; Neoplastic Syndromes, Hereditary. Identifiers: Orphanet 140162, MedGen C0027672, MeSH D009386, MONDO:0015356.
Cardiovascular phenotype. Identifiers: MedGen CN230736.

Submission:

Ambry Genetics
Classification: Pathogenic for Cardiovascular phenotype; Hereditary cancer-predisposing syndrome. Last evaluated: 2024-08-26. Review status: criteria provided, single submitter. Criteria: Ambry Variant Classification Scheme 2023. Collection method: clinical testing. Allele origin: germline.
Comment: The p.K428* pathogenic mutation (also known as c.1282A>T), located in coding exon 12 of the NF1 gene, results from an A to T substitution at nucleotide position 1282. This changes the amino acid from a lysine to a stop codon within coding exon 12. This variant is considered to be rare based on population cohorts in the Genome Aggregation Database (gnomAD). This alteration is expected to result in loss of function by premature protein truncation or nonsense-mediated mRNA decay. As such, this alteration is interpreted as a disease-causing mutation.